The following is an entry in ClinVar:

NM_138576.4(BCL11B):c.82G>A (p.Ala28Thr)

Gene: BCL11B (BCL11 transcription factor B; minus strand). Cytogenetic location: 14q32.2.
Variant type: single nucleotide variant.
Coding change: c.82G>A on transcript NM_138576.4 (MANE Select); coding-DNA position 82, G replaced by A.
Protein change: p.Ala28Thr; replaces alanine 28 with threonine.
Molecular consequence: missense variant.
Genome position (GRCh38, 1-based): chr14:99,257,816, C>T on the plus strand (G>A on the coding strand, the complement: BCL11B is on the minus strand). VCF-style: chr14-99257816-C-T. GRCh37 (hg19) VCF-style: chr14-99724153-C-T.
Other names: c.79G>A, p.Ala27Thr (NM_001282237.2, NM_001282238.2); c.82G>A, p.Ala28Thr (NM_022898.3); c.82G>A (NM_022898.2, NM_138576.2); short protein forms A27T, A28T.
Identifiers: ClinVar variation 1420138 (VCV001420138.10), dbSNP rs766014776, ClinGen allele CA7339946.
Genomic context (GRCh38, chr14:99,257,816, plus strand): 5'-CCATCAGCCCCAGGCCACTTGGCTCCTCTATCTCCAGACCCTCGTCTTCTTCGAGGATGG[C>T]GGCCTCCACATGGTCAGCCTCTGCTGGAGACAGAAAGAAGAAAGGGAAGGGGCAGAGAAG-3'
Protein context (NP_612808.1, residues 18-38): ITPEADHVEA[Ala28Thr]ILEEDEGLEI

ClinVar aggregate classification (germline): Conflicting classifications of pathogenicity. Review status: criteria provided, conflicting classifications (1 of 4 stars). 3 submissions from 3 submitters: Uncertain significance (1); Benign (1). 1 of the submissions does not count toward it. Last evaluated 2025-12-03.

Conditions:
Inborn genetic diseases. Identifiers: MedGen C0950123, MeSH D030342.
BCL11B-related disorder. Also called: BCL11B-Related Disorders.

Allele frequency attached by ClinVar (database versions not stated): gnomAD exomes 0.00001; ExAC 0.00002; gnomAD 0.00002; TOPMed 0.00004.
gnomAD v4.1: 20 of 1,541,994 alleles (0.0013%); highest among the groups gnomAD compares: Admixed American, 0.0039%; no homozygotes.

Submissions (3):

Labcorp Genetics (formerly Invitae), Labcorp
Classification: Benign. Last evaluated: 2025-12-03. Review status: criteria provided, single submitter. Criteria: Invitae Variant Classification Sherloc (09022015). Collection method: clinical testing. Allele origin: germline.

Ambry Genetics
Classification: Uncertain significance for Inborn genetic diseases. Last evaluated: 2024-10-25. Review status: criteria provided, single submitter. Criteria: Ambry Variant Classification Scheme 2023. Collection method: clinical testing. Allele origin: germline.

PreventionGenetics, part of Exact Sciences
Classification: Uncertain significance for BCL11B-related condition. Last evaluated: 2024-07-17. Review status: no assertion criteria provided. Collection method: clinical testing. Allele origin: germline. Not counted in ClinVar's aggregate classification.
Comment: The BCL11B c.82G>A variant is predicted to result in the amino acid substitution p.Ala28Thr. To our knowledge, this variant has not been reported in the literature. This variant is reported in 0.0055% of alleles in individuals of East Asian descent in gnomAD. At this time, the clinical significance of this variant is uncertain due to the absence of conclusive functional and genetic evidence.